The following is an entry in ClinVar:

ClinVar aggregate classification (germline): Likely benign (1 of 4 stars; one submission).

gnomAD v4.1: 6 of 1,613,986 alleles (0.00037%); highest among the groups gnomAD compares: Admixed American, 0.0017%; no homozygotes.

Submission:

CeGaT Center for Human Genetics Tuebingen
Classification: Likely benign. Last evaluated: 2023-03-01. Review status: criteria provided, single submitter. Criteria: CeGaT Center For Human Genetics Tuebingen Variant Classification Criteria Version 2. Collection method: clinical testing. Allele origin: germline. Affected: yes. Observed: 1 variant allele.
Comment: NOS1AP: BP4, BP7

NM_014697.3(NOS1AP):c.771C>T (p.His257=)

Gene: NOS1AP (nitric oxide synthase 1 adaptor protein; plus strand). Cytogenetic location: 1q23.3.
Variant type: single nucleotide variant.
Coding change: c.771C>T on transcript NM_014697.3 (MANE Select); coding-DNA position 771, C replaced by T.
Protein change: p.His257=; no amino-acid change (histidine 257 retained).
Molecular consequence: synonymous variant.
Genome position (GRCh38, 1-based): chr1:162,356,968, C>T. VCF-style: chr1-162356968-C-T. GRCh37 (hg19) VCF-style: chr1-162326758-C-T.
Other names: c.756C>T, p.His252= (NM_001164757.2).
Identifiers: ClinVar variation 2639520 (VCV002639520.24), dbSNP rs749455601, ClinGen allele CA1215608.